The following is an entry in ClinVar:

NM_000368.5(TSC1):c.1142C>G (p.Ala381Gly)

Gene: TSC1 (TSC complex subunit 1; minus strand). Cytogenetic location: 9q34.13.
Variant type: single nucleotide variant.
Coding change: c.1142C>G on transcript NM_000368.5 (MANE Select); coding-DNA position 1142, C replaced by G.
Protein change: p.Ala381Gly; replaces alanine 381 with glycine.
Molecular consequence: missense variant. On other transcripts: intron variant (21), non-coding transcript variant (4).
Genome position (GRCh38, 1-based): chr9:132,910,692, G>C on the plus strand (C>G on the coding strand, the complement: TSC1 is on the minus strand). VCF-style: chr9-132910692-G-C. GRCh37 (hg19) VCF-style: chr9-135786079-G-C.
Other names: c.779-3C>G (NM_001406620.1, NM_001406625.1, NM_001406621.1 and 2 more transcripts); c.989-3C>G (NM_001406613.1, NM_001406612.1, NM_001406611.1); c.191-3C>G (NM_001406627.1, NM_001406628.1); c.92-3C>G (NM_001406629.1, NM_001406630.1); c.1142-3C>G (NM_001406603.1, NM_001406609.1, NM_001406597.1 and 6 more transcripts); c.779C>G, p.Ala260Gly (NM_001406616.1, NM_001406617.1, NM_001406618.1 and 5 more transcripts); c.191C>G, p.Ala64Gly (NM_001406626.1); c.1142C>G, p.Ala381Gly (NM_001406595.1, NM_001406596.1, NM_001406601.1 and 7 more transcripts); and 1 more; short protein forms A260G, A381G, A64G, A330G.
Identifiers: ClinVar variation 2751813 (VCV002751813.3), dbSNP rs2131948107, ClinGen allele CA375367237.

ClinVar aggregate classification (germline): Uncertain significance (1 of 4 stars; one submission).

Conditions:
Tuberous sclerosis 1 (TSC1). Identifiers: Orphanet 805, MedGen C1854465, MONDO:0008612, OMIM 191100.

Submission:

Labcorp Genetics (formerly Invitae), Labcorp
Classification: Uncertain significance for Tuberous sclerosis 1. Last evaluated: 2023-08-11. Review status: criteria provided, single submitter. Criteria: Invitae Variant Classification Sherloc (09022015). Collection method: clinical testing. Allele origin: germline.
Comment: This variant is not present in population databases (gnomAD no frequency). This variant has not been reported in the literature in individuals affected with TSC1-related conditions. An algorithm developed to predict the effect of missense changes on protein structure and function (PolyPhen-2) suggests that this variant is likely to be tolerated. Studies have shown that this missense change is associated with altered splicing resulting in unknown protein product impact (Invitae). In summary, the available evidence is currently insufficient to determine the role of this variant in disease. Therefore, it has been classified as a Variant of Uncertain Significance. This sequence change replaces alanine, which is neutral and non-polar, with glycine, which is neutral and non-polar, at codon 381 of the TSC1 protein (p.Ala381Gly).